The following is an entry in ClinVar:

ClinVar aggregate classification (germline): Likely benign. Review status: criteria provided, multiple submitters, no conflicts (2 of 4 stars). 2 submissions from 2 submitters: Likely benign (2). Last evaluated 2025-08-13.

gnomAD v4.1: 1,147 of 1,611,308 alleles (0.071%); highest among the groups gnomAD compares: Middle Eastern, 0.15%; 2 homozygotes.

Submissions (2):

Ambry Genetics
Classification: Likely benign. Last evaluated: 2025-08-13. Review status: criteria provided, single submitter. Criteria: Ambry Variant Classification Scheme 2023. Collection method: clinical testing. Allele origin: germline.

CeGaT Center for Human Genetics Tuebingen
Classification: Likely benign. Last evaluated: 2024-07-01. Review status: criteria provided, single submitter. Criteria: CeGaT Center For Human Genetics Tuebingen Variant Classification Criteria Version 2. Collection method: clinical testing. Allele origin: germline. Affected: yes. Observed: 1 variant allele.
Comment: DHX34: BP4

NM_014681.6(DHX34):c.2509G>A (p.Ala837Thr)

Gene: DHX34 (DExH-box helicase 34; plus strand). Cytogenetic location: 19q13.32.
Variant type: single nucleotide variant.
Coding change: c.2509G>A on transcript NM_014681.6 (MANE Select); coding-DNA position 2509, G replaced by A.
Protein change: p.Ala837Thr; replaces alanine 837 with threonine.
Molecular consequence: missense variant.
Genome position (GRCh38, 1-based): chr19:47,376,470, G>A. VCF-style: chr19-47376470-G-A. GRCh37 (hg19) VCF-style: chr19-47879727-G-A.
Other names: c.2509G>A (NM_014681.5); short protein forms A837T.
Identifiers: ClinVar variation 3257578 (VCV003257578.18).
Genomic context (GRCh38, chr19:47,376,470, plus strand): 5'-GGAGGGCTTGTGCTTTCTCTCTGTCCTCCGCAGATTTTCCACACGCAGGCCAAGCAGGGC[G>A]CCGTGCTGCACCCCACCTGCGTCTTCGCTGGCAGCCCCGAGGTGCTGCACGCACAGGAGC-3'
Protein context (NP_055496.2, residues 827-847): QIFHTQAKQG[Ala837Thr]VLHPTCVFAG